The following is an entry in ClinVar:

NM_032043.3(BRIP1):c.774G>C (p.Gln258His)

Gene: BRIP1 (BRCA1 interacting DNA helicase 1; minus strand). Cytogenetic location: 17q23.2.
Variant type: single nucleotide variant.
Coding change: c.774G>C on transcript NM_032043.3 (MANE Select); coding-DNA position 774, G replaced by C.
Protein change: p.Gln258His; replaces glutamine 258 with histidine.
Molecular consequence: missense variant.
Genome position (GRCh38, 1-based): chr17:61,808,611, C>G on the plus strand (G>C on the coding strand, the complement: BRIP1 is on the minus strand). VCF-style: chr17-61808611-C-G. GRCh37 (hg19) VCF-style: chr17-59885972-C-G.
Other names: short protein forms Q258H.
Identifiers: ClinVar variation 489841 (VCV000489841.21), dbSNP rs1198536492, ClinGen allele CA400484936.
Genomic context (GRCh38, chr17:61,808,611, plus strand): 5'-GCTGGAAAGAATAGTCATTGGAACCCCTGAATATGCCGTCCTCCGGAGCTCTCTAGTAAT[C>G]TGAGCAATCTGCTTGTGTGTGCGTGTCCCAAAATATATTTTGGGTATCTTGGATTTCCCT-3'
Protein context (NP_114432.2, residues 248-268): FGTRTHKQIA[Gln258His]ITRELRRTAY

ClinVar aggregate classification (germline): Uncertain significance. Review status: criteria provided, multiple submitters, no conflicts (2 of 4 stars). 5 submissions from 5 submitters: Uncertain significance (5). Last evaluated 2025-03-04.

Conditions:
Fanconi anemia complementation group J. Also called: BRIP1-Related Fanconi Anemia. Identifiers: Orphanet 84, MedGen C1836860, MONDO:0012187, OMIM 609054.
Familial cancer of breast. Also called: BREAST CANCER, FAMILIAL; hereditary breast carcinoma; Hereditary breast cancer. Identifiers: Orphanet 227535, MedGen C0346153, MONDO:0016419, OMIM 114480. Disease mechanism: loss of function.
Hereditary cancer-predisposing syndrome. Also called: Tumor predisposition; Neoplastic Syndromes, Hereditary; Hereditary Cancer Syndrome; Hereditary neoplastic syndrome. Identifiers: Orphanet 140162, MedGen C0027672, MeSH D009386, MONDO:0015356.

Allele frequency attached by ClinVar (database versions not stated): TOPMed below 0.00001; gnomAD 0.00001.
gnomAD v4.1: 1 of 1,613,902 alleles (0.000062%); highest among the groups gnomAD compares: Non-Finnish European, 0.000085%; no homozygotes.

Submissions (5):

Center for Genomic Medicine, Rigshospitalet, Copenhagen University Hospital
Classification: Uncertain significance. Last evaluated: 2025-03-04. Review status: criteria provided, single submitter. Criteria: ACMG Guidelines, 2015. Collection method: clinical testing. Allele origin: germline.

Color Diagnostics, LLC DBA Color Health
Classification: Uncertain significance for Hereditary cancer-predisposing syndrome. Last evaluated: 2024-03-06. Review status: criteria provided, single submitter. Criteria: ACMG Guidelines, 2015. Collection method: clinical testing. Allele origin: germline.
Comment: This missense variant replaces glutamine with histidine at codon 258 of the BRIP1 protein. Computational prediction suggests that this variant may have deleterious impact on protein structure and function (internally defined REVEL score threshold >= 0.7, PMID: 27666373). To our knowledge, functional studies have not been reported for this variant. This variant has not been reported in individuals affected with BRIP1-related disorders in the literature. This variant has not been identified in the general population by the Genome Aggregation Database (gnomAD). The available evidence is insufficient to determine the role of this variant in disease conclusively. Therefore, this variant is classified as a Variant of Uncertain Significance.

GeneDx
Classification: Uncertain significance. Last evaluated: 2022-04-18. Review status: criteria provided, single submitter. Criteria: GeneDx Variant Classification Process June 2021. Collection method: clinical testing. Allele origin: germline. Affected: yes.
Comment: Not observed at significant frequency in large population cohorts (gnomAD); In silico analysis supports that this missense variant has a deleterious effect on protein structure/function; Has not been previously published as pathogenic or benign to our knowledge; This variant is associated with the following publications: (PMID: 11301010)

Ambry Genetics
Classification: Uncertain significance for Hereditary cancer-predisposing syndrome. Last evaluated: 2021-01-28. Review status: criteria provided, single submitter. Criteria: Ambry Variant Classification Scheme 2023. Collection method: clinical testing. Allele origin: germline.
Comment: The p.Q258H variant (also known as c.774G>C), located in coding exon 6 of the BRIP1 gene, results from a G to C substitution at nucleotide position 774. The glutamine at codon 258 is replaced by histidine, an amino acid with highly similar properties. This amino acid position is highly conserved in available vertebrate species. In addition, this alteration is predicted to be deleterious by in silico analysis. Since supporting evidence is limited at this time, the clinical significance of this alteration remains unclear.

Labcorp Genetics (formerly Invitae), Labcorp
Classification: Uncertain significance for Familial cancer of breast; Fanconi anemia complementation group J. Last evaluated: 2019-08-05. Review status: criteria provided, single submitter. Criteria: Invitae Variant Classification Sherloc (09022015). Collection method: clinical testing. Allele origin: germline.
Comment: This sequence change replaces glutamine with histidine at codon 258 of the BRIP1 protein (p.Gln258His). The glutamine residue is highly conserved and there is a small physicochemical difference between glutamine and histidine. This variant is not present in population databases (ExAC no frequency). This variant has not been reported in the literature in individuals with BRIP1-related conditions. ClinVar contains an entry for this variant (Variation ID: 489841). Algorithms developed to predict the effect of missense changes on protein structure and function are either unavailable or do not agree on the potential impact of this missense change (SIFT: "Deleterious"; PolyPhen-2: "Probably Damaging"; Align-GVGD: "Class C15"). In summary, the available evidence is currently insufficient to determine the role of this variant in disease. Therefore, it has been classified as a Variant of Uncertain Significance.